The following is an entry in ClinVar:

ClinVar aggregate classification (germline): Uncertain significance. Review status: criteria provided, multiple submitters, no conflicts (2 of 4 stars). 4 submissions from 3 submitters: Uncertain significance (4). Last evaluated 2026-04-14.

Conditions:
Cholestasis, intrahepatic, of pregnancy, 3. Identifiers: Orphanet 69665, MedGen C3554241, MONDO:0013995, OMIM 614972.
Low phospholipid associated cholelithiasis (GBD1). Also called: Gallstone cholecystitis; Gallbladder disease 1. Identifiers: Orphanet 69663, MedGen C2609268, MONDO:0010939, OMIM 600803.
Familial intrahepatic cholestasis. Identifiers: Orphanet 284385, MedGen CN296401, MONDO:0017290.
Progressive familial intrahepatic cholestasis type 3. Also called: Low Gamma-GT Familial Intrahepatic Cholestasis; MDR3 DEFICIENCY. Identifiers: Orphanet 79305, MedGen C1865643, MONDO:0011214, OMIM 602347.

Allele frequency attached by ClinVar (database versions not stated): gnomAD exomes below 0.00001.
gnomAD v4.1: 1 of 1,613,700 alleles (0.000062%); highest among the groups gnomAD compares: South Asian, 0.0011%; no homozygotes.

Submissions (4):

Genomenon, Inc
Classification: Uncertain significance for Familial intrahepatic cholestasis; Low phospholipid associated cholelithiasis. Last evaluated: 2026-04-14. Review status: criteria provided, single submitter. Criteria: Genomenon Sequence Variant Interpretation Standards - Updated. Collection method: curation. Allele origin: germline. Affected: no.
Comment: ABCB4 p.Gln748Glu (c.2242C>G) is a missense variant that changes the amino acid at residue 748 from Glutamine to Glutamic acid. This variant has been reported in the published literature (PMID:37208429). It is absent or not present at a significant frequency in gnomAD. In conclusion, we classify ABCB4 p.Gln748Glu (c.2242C>G) as a variant of uncertain significance.

Illumina Laboratory Services, Illumina
Classification: Uncertain significance for Cholestasis, intrahepatic, of pregnancy, 3. Last evaluated: 2018-01-13. Review status: criteria provided, single submitter. Criteria: ICSL Variant Classification Criteria 13 December 2019. Collection method: clinical testing. Allele origin: germline.

Illumina Laboratory Services, Illumina
Classification: Uncertain significance for Progressive familial intrahepatic cholestasis type 3. Last evaluated: 2018-01-13. Review status: criteria provided, single submitter. Criteria: ICSL Variant Classification Criteria 13 December 2019. Collection method: clinical testing. Allele origin: germline.

Labcorp Genetics (formerly Invitae), Labcorp
Classification: Uncertain significance. Last evaluated: 2017-07-12. Review status: criteria provided, single submitter. Criteria: Invitae Variant Classification Sherloc (09022015). Collection method: clinical testing. Allele origin: germline.
Comment: In summary, the available evidence is currently insufficient to determine the role of this variant in disease. Therefore, it has been classified as a Variant of Uncertain Significance. Algorithms developed to predict the effect of missense changes on protein structure and function (SIFT, PolyPhen-2, Align-GVGD) all suggest that this variant is likely to be tolerated, but these predictions have not been confirmed by published functional studies and their clinical significance is uncertain. This variant has not been reported in the literature in individuals with ABCB4-related disease. This variant is not present in population databases (ExAC no frequency). This sequence change replaces glutamine with glutamic acid at codon 748 of the ABCB4 protein (p.Gln748Glu). The glutamine residue is moderately conserved and there is a small physicochemical difference between glutamine and glutamic acid.

Literature cited by the submitters: PubMed 37208429 (cited by Genomenon, Inc).

NM_000443.4(ABCB4):c.2242C>G (p.Gln748Glu)

Gene: ABCB4 (ATP binding cassette subfamily B member 4; minus strand). Cytogenetic location: 7q21.12.
Variant type: single nucleotide variant.
Coding change: c.2242C>G on transcript NM_000443.4 (MANE Select); coding-DNA position 2242, C replaced by G.
Protein change: p.Gln748Glu; replaces glutamine 748 with glutamic acid.
Molecular consequence: missense variant.
Genome position (GRCh38, 1-based): chr7:87,422,195, G>C on the plus strand (C>G on the coding strand, the complement: ABCB4 is on the minus strand). VCF-style: chr7-87422195-G-C. GRCh37 (hg19) VCF-style: chr7-87051511-G-C.
Other names: c.2242C>G, p.Gln748Glu (NM_018849.3, NM_018850.3); short protein forms Q748E.
Identifiers: ClinVar variation 909966 (VCV000909966.13), dbSNP rs1809490932, ClinGen allele CA368063361.